The following is an entry in ClinVar:

ClinVar aggregate classification (germline): Uncertain significance (1 of 4 stars; one submission).

Submission:

GeneDx
Classification: Uncertain significance. Last evaluated: 2022-06-03. Review status: criteria provided, single submitter. Criteria: GeneDx Variant Classification Process June 2021. Collection method: clinical testing. Allele origin: germline. Affected: yes.
Comment: Not observed at significant frequency in large population cohorts (gnomAD); In silico analysis supports that this missense variant has a deleterious effect on protein structure/function; Has not been previously published as pathogenic or benign to our knowledge

NM_018026.4(PACS1):c.2705C>T (p.Ser902Phe)

Gene: PACS1 (phosphofurin acidic cluster sorting protein 1; plus strand). Cytogenetic location: 11q13.2.
Variant type: single nucleotide variant.
Coding change: c.2705C>T on transcript NM_018026.4 (MANE Select); coding-DNA position 2705, C replaced by T.
Protein change: p.Ser902Phe; replaces serine 902 with phenylalanine.
Molecular consequence: missense variant.
Genome position (GRCh38, 1-based): chr11:66,242,960, C>T. VCF-style: chr11-66242960-C-T. GRCh37 (hg19) VCF-style: chr11-66010431-C-T.
Other names: short protein forms S902F.
Identifiers: ClinVar variation 1802045 (VCV001802045.1), dbSNP rs2495611391, ClinGen allele CA381384091.